The following is an entry in ClinVar:

NM_177438.3(DICER1):c.4841A>T (p.Gln1614Leu)

Gene: DICER1 (dicer 1, ribonuclease III; minus strand). Cytogenetic location: 14q32.13.
Variant type: single nucleotide variant.
Coding change: c.4841A>T on transcript NM_177438.3 (MANE Select); coding-DNA position 4841, A replaced by T.
Protein change: p.Gln1614Leu; replaces glutamine 1614 with leucine.
Molecular consequence: missense variant. On other transcripts: non-coding transcript variant (6).
Genome position (GRCh38, 1-based): chr14:95,096,079, T>A on the plus strand (A>T on the coding strand, the complement: DICER1 is on the minus strand). VCF-style: chr14-95096079-T-A. GRCh37 (hg19) VCF-style: chr14-95562416-T-A.
Other names: c.4841A>T, p.Gln1614Leu (NM_001395681.1, NM_001395682.1, NM_001395683.1 and 13 more transcripts); c.4559A>T, p.Gln1520Leu (NM_001395686.1); c.4436A>T, p.Gln1479Leu (NM_001395687.1, NM_001395688.1, NM_001395689.1 and 2 more transcripts); c.4274A>T, p.Gln1425Leu (NM_001395691.1); c.3158A>T, p.Gln1053Leu (NM_001395697.1); short protein forms Q1053L, Q1479L, Q1425L, Q1520L, Q1614L.
Identifiers: ClinVar variation 2472235 (VCV002472235.2), dbSNP rs769225805, ClinGen allele CA390866814.

ClinVar aggregate classification (germline): Uncertain significance (1 of 4 stars; one submission).

Conditions:
Hereditary cancer-predisposing syndrome. Also called: Neoplastic Syndromes, Hereditary; Hereditary neoplastic syndrome; Tumor predisposition; Hereditary Cancer Syndrome. Identifiers: Orphanet 140162, MedGen C0027672, MeSH D009386, MONDO:0015356.

gnomAD v4.1: 1 of 1,614,230 alleles (0.000062%); highest among the groups gnomAD compares: Non-Finnish European, 0.000085%; no homozygotes.

Submission:

Ambry Genetics
Classification: Uncertain significance for Hereditary cancer-predisposing syndrome. Last evaluated: 2023-03-09. Review status: criteria provided, single submitter. Criteria: Ambry Variant Classification Scheme 2023. Collection method: clinical testing. Allele origin: germline.
Comment: The p.Q1614L variant (also known as c.4841A>T), located in coding exon 22 of the DICER1 gene, results from an A to T substitution at nucleotide position 4841. The glutamine at codon 1614 is replaced by leucine, an amino acid with dissimilar properties. This amino acid position is conserved. In addition, this alteration is predicted to be tolerated by in silico analysis. Since supporting evidence is limited at this time, the clinical significance of this alteration remains unclear.